The following is an entry in ClinVar:

ClinVar aggregate classification (germline): Uncertain significance (1 of 4 stars; one submission).

Conditions:
Emery-Dreifuss muscular dystrophy 4, autosomal dominant (EDMD4). Also called: EMERY-DREIFUSS MUSCULAR DYSTROPHY 4 WITH VARIABLE FEATURES. Identifiers: Orphanet 261, MedGen C2751807, MONDO:0013071, OMIM 612998.
Autosomal recessive ataxia, Beauce type. Also called: Spinocerebellar ataxia, autosomal recessive 8; ATAXIA, RECESSIVE, OF BEAUCE; SYNE1 Deficiency; SYNE1-Related Autosomal Recessive Cerebellar Ataxia. Identifiers: Orphanet 88644, MedGen C1853116, MONDO:0012549, OMIM 610743.

Allele frequency attached by ClinVar (database versions not stated): gnomAD 0.00001; TOPMed below 0.00001.
gnomAD v4.1: 1 of 1,613,980 alleles (0.000062%); highest among the groups gnomAD compares: African/African-American, 0.0013%; no homozygotes.

Submission:

Labcorp Genetics (formerly Invitae), Labcorp
Classification: Uncertain significance for Emery-Dreifuss muscular dystrophy 4, autosomal dominant; Autosomal recessive ataxia, Beauce type. Last evaluated: 2021-05-01. Review status: criteria provided, single submitter. Criteria: Invitae Variant Classification Sherloc (09022015). Collection method: clinical testing. Allele origin: germline.
Comment: In summary, the available evidence is currently insufficient to determine the role of this variant in disease. Therefore, it has been classified as a Variant of Uncertain Significance. Algorithms developed to predict the effect of missense changes on protein structure and function (SIFT, PolyPhen-2, Align-GVGD) all suggest that this variant is likely to be tolerated, but these predictions have not been confirmed by published functional studies and their clinical significance is uncertain. This variant has not been reported in the literature in individuals with SYNE1-related conditions. This variant is not present in population databases (ExAC no frequency). This sequence change replaces threonine with alanine at codon 3023 of the SYNE1 protein (p.Thr3023Ala). The threonine residue is highly conserved and there is a small physicochemical difference between threonine and alanine.

NM_182961.4(SYNE1):c.9046A>G (p.Thr3016Ala)

Gene: SYNE1 (spectrin repeat containing nuclear envelope protein 1; minus strand). Cytogenetic location: 6q25.2.
Variant type: single nucleotide variant.
Coding change: c.9046A>G on transcript NM_182961.4 (MANE Select); coding-DNA position 9046, A replaced by G.
Protein change: p.Thr3016Ala; replaces threonine 3016 with alanine.
Molecular consequence: missense variant.
Genome position (GRCh38, 1-based): chr6:152,376,876, T>C on the plus strand (A>G on the coding strand, the complement: SYNE1 is on the minus strand). VCF-style: chr6-152376876-T-C. GRCh37 (hg19) VCF-style: chr6-152698011-T-C.
Other names: c.9067A>G, p.Thr3023Ala (NM_033071.5); short protein forms T3023A, T3016A.
Identifiers: ClinVar variation 1516916 (VCV001516916.8), dbSNP rs2097290792, ClinGen allele CA366142335.